The following is an entry in ClinVar:

ClinVar aggregate classification (germline): Uncertain significance. Review status: criteria provided, multiple submitters, no conflicts (2 of 4 stars). 2 submissions from 2 submitters: Uncertain significance (2). Last evaluated 2025-12-10.

Allele frequency attached by ClinVar (database versions not stated): gnomAD exomes below 0.00001.
gnomAD v4.1: 2 of 1,614,210 alleles (0.00012%); highest among the groups gnomAD compares: South Asian, 0.0011%; no homozygotes.

Submissions (2):

Labcorp Genetics (formerly Invitae), Labcorp
Classification: Uncertain significance. Last evaluated: 2025-12-10. Review status: criteria provided, single submitter. Criteria: Invitae Variant Classification Sherloc (09022015). Collection method: clinical testing. Allele origin: germline.
Comment: This sequence change replaces arginine, which is basic and polar, with cysteine, which is neutral and slightly polar, at codon 326 of the CTNNA1 protein (p.Arg326Cys). This variant is not present in population databases (gnomAD no frequency). This variant has not been reported in the literature in individuals affected with CTNNA1-related conditions. ClinVar contains an entry for this variant (Variation ID: 2138421). Invitae Evidence Modeling of protein sequence and biophysical properties (such as structural, functional, and spatial information, amino acid conservation, physicochemical variation, residue mobility, and thermodynamic stability) indicates that this missense variant is expected to disrupt CTNNA1 protein function with a positive predictive value of 80%. In summary, the available evidence is currently insufficient to determine the role of this variant in disease. Therefore, it has been classified as a Variant of Uncertain Significance.

GeneDx
Classification: Uncertain significance. Last evaluated: 2023-05-07. Review status: criteria provided, single submitter. Criteria: GeneDx Variant Classification Process June 2021. Collection method: clinical testing. Allele origin: germline. Affected: yes.
Comment: Not observed at significant frequency in large population cohorts (gnomAD); In silico analysis supports that this missense variant has a deleterious effect on protein structure/function; Has not been previously published as pathogenic or benign to our knowledge

NM_001903.5(CTNNA1):c.976C>T (p.Arg326Cys)

Gene: CTNNA1 (catenin alpha 1; plus strand). Cytogenetic location: 5q31.2.
Variant type: single nucleotide variant.
Coding change: c.976C>T on transcript NM_001903.5 (MANE Select); coding-DNA position 976, C replaced by T.
Protein change: p.Arg326Cys; replaces arginine 326 with cysteine.
Molecular consequence: missense variant.
Genome position (GRCh38, 1-based): chr5:138,827,632, C>T. VCF-style: chr5-138827632-C-T. GRCh37 (hg19) VCF-style: chr5-138163321-C-T.
Other names: c.976C>T (NM_001903.3); c.976C>T, p.Arg326Cys (NM_001290307.3, NM_001323982.2, NM_001323983.1 and 3 more transcripts); c.667C>T, p.Arg223Cys (NM_001290309.3); c.607C>T, p.Arg203Cys (NM_001290310.3); short protein forms R203C, R326C, R223C.
Identifiers: ClinVar variation 2138421 (VCV002138421.5), dbSNP rs2149785850, ClinGen allele CA361131041.